The following is an entry in ClinVar:

ClinVar aggregate classification (germline): Likely benign (1 of 4 stars; one submission).

Allele frequency attached by ClinVar (database versions not stated): ExAC 0.00031; 1000 Genomes Project 0.00100.

Submission:

CeGaT Center for Human Genetics Tuebingen
Classification: Likely benign. Last evaluated: 2025-09-01. Review status: criteria provided, single submitter. Criteria: CeGaT Center For Human Genetics Tuebingen Variant Classification Criteria Version 2. Collection method: clinical testing. Allele origin: germline. Affected: yes. Observed: 3 variant alleles.
Comment: FLG2: BP4, BP7

NM_001014342.3(FLG2):c.6060C>A (p.Ser2020=)

Genes: CCDST (cervical cancer associated DHX9 suppressive transcript; plus strand), FLG2 (filaggrin 2; minus strand). Cytogenetic location: 1q21.3.
Variant type: single nucleotide variant.
Coding change: c.6060C>A on transcript NM_001014342.3 (MANE Select); coding-DNA position 6060, C replaced by A.
Protein change: p.Ser2020=; no amino-acid change (serine 2020 retained).
Molecular consequence: synonymous variant.
Genome position (GRCh38, 1-based): chr1:152,351,726, G>T on the plus strand (C>A on the coding strand, the complement: FLG2 is on the minus strand). VCF-style: chr1-152351726-G-T. GRCh37 (hg19) VCF-style: chr1-152324202-G-T.
Identifiers: ClinVar variation 2639332 (VCV002639332.24), dbSNP rs559508459, ClinGen allele CA1108373.
Genomic context (GRCh38, chr1:152,351,726, plus strand): 5'-TGAGTGCCCTTCACTGTCACTGTACTCACTGTGGCCAGATGCCCTTCTTCCAGTTGTCCT[G>T]GACCCTCTCTGTGTGGACTGTCCATGACCAGAGTGGCCATGTCTAGTGGTATCTGCTGTT-3'
Protein context (NP_001014364.1, residues 2010-2030): SGHGQSTQRG[Ser2020=]RTTGRRASGH